The following is an entry in ClinVar:

ClinVar aggregate classification (germline): Uncertain significance (0 of 4 stars; one submission).

Conditions:
SOS2-related disorder. Also called: SOS2-related condition.

gnomAD v4.1: 4 of 1,613,908 alleles (0.00025%); highest among the groups gnomAD compares: Non-Finnish European, 0.00034%; no homozygotes.

Submission:

PreventionGenetics, part of Exact Sciences
Classification: Uncertain significance for SOS2-related condition. Last evaluated: 2024-08-13. Review status: no assertion criteria provided. Collection method: clinical testing. Allele origin: germline.
Comment: The SOS2 c.814A>C variant is predicted to result in the amino acid substitution p.Ser272Arg. To our knowledge, this variant has not been reported in the literature. This variant is reported in 0.00088% of alleles in individuals of European (Non-Finnish) descent in gnomAD. At this time, the clinical significance of this variant is uncertain due to the absence of conclusive functional and genetic evidence.

NM_006939.4(SOS2):c.814A>C (p.Ser272Arg)

Gene: SOS2 (SOS Ras/Rho guanine nucleotide exchange factor 2; minus strand). Cytogenetic location: 14q21.3.
Variant type: single nucleotide variant.
Coding change: c.814A>C on transcript NM_006939.4 (MANE Select); coding-DNA position 814, A replaced by C.
Protein change: p.Ser272Arg; replaces serine 272 with arginine.
Molecular consequence: missense variant.
Genome position (GRCh38, 1-based): chr14:50,182,507, T>G on the plus strand (A>C on the coding strand, the complement: SOS2 is on the minus strand). VCF-style: chr14-50182507-T-G. GRCh37 (hg19) VCF-style: chr14-50649225-T-G.
Other names: c.814A>C, p.Ser272Arg (NM_001411020.1); short protein forms S272R.
Identifiers: ClinVar variation 3347595 (VCV003347595.1).